The following is an entry in ClinVar:

NM_006842.3(SF3B2):c.318G>C (p.Pro106=)

Gene: SF3B2 (splicing factor 3b subunit 2; plus strand). Cytogenetic location: 11q13.1.
Variant type: single nucleotide variant.
Coding change: c.318G>C on transcript NM_006842.3 (MANE Select); coding-DNA position 318, G replaced by C.
Protein change: p.Pro106=; no amino-acid change (proline 106 retained).
Molecular consequence: synonymous variant.
Genome position (GRCh38, 1-based): chr11:66,055,135, G>C. VCF-style: chr11-66055135-G-C. GRCh37 (hg19) VCF-style: chr11-65822606-G-C.
Identifiers: ClinVar variation 2578660 (VCV002578660.25), dbSNP rs756928979, ClinGen allele CA475311656.
Genomic context (GRCh38, chr11:66,055,135, plus strand): 5'-GCTCCCTGGAATTCCCATGCCACCACCACCTTTGGGACTCCCCCCTCTGCAGCCTCCTCC[G>C]CCACCCCCACCACCTCCACCAGGCCTTGGCCTTGGCTTTCCTATGGCCCACCCACCAAAT-3'
Protein context (NP_006833.2, residues 96-116): PLGLPPLQPP[Pro106=]PPPPPPPGLG

ClinVar aggregate classification (germline): Likely benign (1 of 4 stars; one submission).

Submission:

CeGaT Center for Human Genetics Tuebingen
Classification: Likely benign. Last evaluated: 2023-07-01. Review status: criteria provided, single submitter. Criteria: CeGaT Center For Human Genetics Tuebingen Variant Classification Criteria Version 2. Collection method: clinical testing. Allele origin: germline. Affected: yes. Observed: 1 variant allele.
Comment: SF3B2: BP4, BP7